The following is an entry in ClinVar:

NM_001080467.3(MYO5B):c.4702-6C>T

Genes: MYO5B (myosin VB; minus strand), SNHG22 (small nucleolar RNA host gene 22; plus strand). Cytogenetic location: 18q21.1.
Variant type: single nucleotide variant.
Coding change: c.4702-6C>T on transcript NM_001080467.3 (MANE Select); 6 bases into the intron before coding-DNA position 4702, C replaced by T.
Molecular consequence: intron variant. On other transcripts: non-coding transcript variant (1).
Genome position (GRCh38, 1-based): chr18:49,839,300, G>A on the plus strand (C>T on the coding strand, the complement: MYO5B is on the minus strand). VCF-style: chr18-49839300-G-A. GRCh37 (hg19) VCF-style: chr18-47365670-G-A.
Identifiers: ClinVar variation 4996364 (VCV004996364.1).

ClinVar aggregate classification (germline): Uncertain significance (1 of 4 stars; one submission).

Conditions:
MYO5B-related disorder. Also called: MYO5B-related condition.

gnomAD v4.1: 2 of 1,613,194 alleles (0.00012%); highest among the groups gnomAD compares: Non-Finnish European, 0.00017%; no homozygotes.

Submission:

PreventionGenetics, part of Exact Sciences
Classification: Uncertain significance for MYO5B-related condition. Last evaluated: 2026-02-12. Review status: criteria provided, single submitter. Criteria: ACMG Guidelines, 2015. Collection method: clinical testing. Allele origin: germline.
Comment: The MYO5B c.4702-6C>T variant is predicted to interfere with splicing. This variant is not predicted to interfere with splicing based on a splicing prediction program (SpliceAI, Jaganathan K, et al. 2019. PubMed ID: 30661751). To our knowledge, this variant has not been reported in the literature or in a large population database (gnomAD), indicating this variant is rare. At this time, the clinical significance of this variant is uncertain due to the absence of conclusive functional and genetic evidence.